The following is an entry in ClinVar:

ClinVar aggregate classification (germline): Pathogenic (1 of 4 stars; one submission).

Conditions:
Neurohypophyseal diabetes insipidus. Also called: Diabetes Insipidus, Neurogenic; Hereditary arginine vasopressin deficiency; DIABETES INSIPIDUS, PRIMARY CENTRAL. Identifiers: Orphanet 178029, Orphanet 30925, MedGen C0342394, MONDO:0007450, OMIM 125700.

Submission:

Victorian Clinical Genetics Services, Murdoch Childrens Research Institute
Classification: Pathogenic for Neurohypophyseal diabetes insipidus. Last evaluated: 2022-02-02. Review status: criteria provided, single submitter. Criteria: ACMG Guidelines, 2015. Collection method: clinical testing. Allele origin: germline. Inheritance: Autosomal dominant inheritance. Affected: yes.
Comment: Based on the classification scheme VCGS_Germline_v1.3.4, this variant is classified as Pathogenic. Following criteria are met: 0103 - Dominant negative and toxic gain of function are known mechanisms of disease in this gene and are associated with diabetes insipidus, neurohypophyseal (MIM#125700). Variants have been observed to cause protein retention within the endoplasmic reticulum, resulting in cellular toxicity. Other variants have also been reported to dimerize with wildtype protein, and prevent proper protein localization, also leading to cellular toxicity (PMID: 11443218, PMID: 10085151). (I) 0107 - This gene is associated with autosomal dominant disease. (I) 0200 - Variant is predicted to result in a missense amino acid change from cysteine to tyrosine. (I) 0251 - This variant is heterozygous. (I) 0301 - Variant is absent from gnomAD (both v2 and v3). However, exome coverage in gnomAD v2 is poor. (SP) 0501 - Missense variant consistently predicted to be damaging by multiple in silico tools or highly conserved with a major amino acid change. (SP) 0601 - Variant forms a well-established disulfide bridge located within the annotated NH domain (NCBI, PMID: 11017955, PMID: 14673472). (SP) 0702 - Other missense variants comparable to the one identified in this case have strong previous evidence for pathogenicity. These alternative changes (p.(Cys116Arg), p.Cys116Gly), p.(Cys116Trp)) have been reported to segregate with disease in several large, unrelated families with familial neurohypophyseal diabetes insipidus (PMID: 11017955, PMID: 14673472), and have been reported as pathogenic (LOVD, ClinVar). (SP) 0807 - This variant has no previous evidence of pathogenicity. (I) 0905 - No published segregation evidence has been identified for this variant. (I) 1007 - No published functional evidence has been identified for this variant. (I) 1102 - Strong phenotype match for this individual. (SP) 1208 - Inheritance information for this variant is not currently available in this individual. (I) Legend: (SP) - Supporting pathogenic, (I) - Information, (SB) - Supporting benign

Literature cited by the submitters: PubMed 10085151; PubMed 11017955; PubMed 11443218; PubMed 14673472.

NM_000490.5(AVP):c.347G>A (p.Cys116Tyr)

Gene: AVP (arginine vasopressin; minus strand). Cytogenetic location: 20p13.
Variant type: single nucleotide variant.
Coding change: c.347G>A on transcript NM_000490.5 (MANE Select); coding-DNA position 347, G replaced by A.
Protein change: p.Cys116Tyr; replaces cysteine 116 with tyrosine.
Molecular consequence: missense variant.
Genome position (GRCh38, 1-based): chr20:3,082,778, C>T on the plus strand (G>A on the coding strand, the complement: AVP is on the minus strand). VCF-style: chr20-3082778-C-T. GRCh37 (hg19) VCF-style: chr20-3063424-C-T.
Other names: short protein forms C116Y.
Identifiers: ClinVar variation 1699275 (VCV001699275.3), dbSNP rs2148570601, ClinGen allele CA408061401.